The following is an entry in ClinVar:

ClinVar aggregate classification (germline): Pathogenic. Review status: criteria provided, multiple submitters, no conflicts (2 of 4 stars). 2 submissions from 2 submitters: Pathogenic (2). Last evaluated 2022-06-20.

Conditions:
Autosomal recessive ataxia, Beauce type. Also called: Spinocerebellar ataxia, autosomal recessive 8; ATAXIA, RECESSIVE, OF BEAUCE; SYNE1 Deficiency; SYNE1-Related Autosomal Recessive Cerebellar Ataxia. Identifiers: Orphanet 88644, MedGen C1853116, MONDO:0012549, OMIM 610743.
Emery-Dreifuss muscular dystrophy 4, autosomal dominant (EDMD4). Also called: EMERY-DREIFUSS MUSCULAR DYSTROPHY 4 WITH VARIABLE FEATURES. Identifiers: Orphanet 261, MedGen C2751807, MONDO:0013071, OMIM 612998.

Allele frequency attached by ClinVar (database versions not stated): gnomAD exomes below 0.00001; gnomAD 0.00001.
gnomAD v4.1: 7 of 1,614,004 alleles (0.00043%); highest among the groups gnomAD compares: Non-Finnish European, 0.00042%; no homozygotes.

Submissions (2):

Labcorp Genetics (formerly Invitae), Labcorp
Classification: Pathogenic for Emery-Dreifuss muscular dystrophy 4, autosomal dominant; Autosomal recessive ataxia, Beauce type. Last evaluated: 2022-06-20. Review status: criteria provided, single submitter. Criteria: Invitae Variant Classification Sherloc (09022015). Collection method: clinical testing. Allele origin: germline.
Comment: This sequence change creates a premature translational stop signal (p.Arg7976*) in the SYNE1 gene. It is expected to result in an absent or disrupted protein product. Loss-of-function variants in SYNE1 are known to be pathogenic (PMID: 19542096, 24319099, 27086870). This variant is present in population databases (no rsID available, gnomAD 0.005%). This variant has not been reported in the literature in individuals affected with SYNE1-related conditions. ClinVar contains an entry for this variant (Variation ID: 632476). For these reasons, this variant has been classified as Pathogenic.

Athena Diagnostics
Classification: Pathogenic. Last evaluated: 2019-02-18. Review status: criteria provided, single submitter. Criteria: Athena Diagnostics Criteria. Collection method: clinical testing. Allele origin: germline.
Comment: The variant creates a premature nonsense codon, and is therefore predicted to result in the loss of a functional protein. Found in at least one symptomatic patient, and found in general population data that is consistent with pathogenicity.

Literature cited by the submitters: PubMed 19542096 (cited by Labcorp Genetics (formerly Invitae), Labcorp); PubMed 24319099 (cited by Labcorp Genetics (formerly Invitae), Labcorp); PubMed 27086870 (cited by Labcorp Genetics (formerly Invitae), Labcorp).

NM_182961.4(SYNE1):c.24139C>T (p.Arg8047Ter)

Gene: SYNE1 (spectrin repeat containing nuclear envelope protein 1; minus strand). Cytogenetic location: 6q25.2.
Variant type: single nucleotide variant.
Coding change: c.24139C>T on transcript NM_182961.4 (MANE Select); coding-DNA position 24139, C replaced by T.
Protein change: p.Arg8047Ter; replaces arginine 8047 with a stop codon.
Molecular consequence: nonsense.
Genome position (GRCh38, 1-based): chr6:152,152,132, G>A on the plus strand (C>T on the coding strand, the complement: SYNE1 is on the minus strand). VCF-style: chr6-152152132-G-A. GRCh37 (hg19) VCF-style: chr6-152473267-G-A.
Other names: c.745C>T, p.Arg249Ter (NM_001347701.2); c.604C>T, p.Arg202Ter (NM_001347702.2); c.23926C>T, p.Arg7976Ter (NM_033071.5); short protein forms R7976*, R8047*, R202*, R249*.
Identifiers: ClinVar variation 632476 (VCV000632476.7), dbSNP rs1174316105, ClinGen allele CA366087197.